The following is an entry in ClinVar:

NM_014251.3(SLC25A13):c.1658_1661dup (p.Gln556fs)

Gene: SLC25A13 (solute carrier family 25 member 13; minus strand). Cytogenetic location: 7q21.3.
Variant type: Duplication.
Coding change: c.1658_1661dup on transcript NM_014251.3 (MANE Select); coding-DNA positions 1658 to 1661, 4 bases duplicated (GGGC; older notation c.1658_1661dupGGGC).
Protein change: p.Gln556fs; shifts the reading frame from glutamine 556.
Molecular consequence: frameshift variant. On other transcripts: non-coding transcript variant (1).
Genome position (GRCh38, 1-based): chr7:96,121,928-96,121,931, GCCC duplicated on the plus strand (GGGC on the coding strand, the reverse complement: SLC25A13 is on the minus strand); duplicating any 4 consecutive bases within chr7:96,121,928-96,121,932 gives the same sequence; the c. name uses the placement nearest the transcript's 3' end. VCF-style (leftmost placement, unchanged base first): chr7-96121927-A-AGCCC. GRCh37 (hg19) VCF-style: chr7-95751239-A-AGCCC.
Other names: c.1661_1664dup, p.Gln557fs (NM_001160210.2); short protein forms Q556fs, Q557fs.
Identifiers: ClinVar variation 1459278 (VCV001459278.7), dbSNP rs2116384200, ClinGen allele CA2573142522.

ClinVar aggregate classification (germline): Pathogenic/Likely pathogenic. Review status: criteria provided, multiple submitters, no conflicts (2 of 4 stars). 2 submissions from 2 submitters: Pathogenic (1); Likely pathogenic (1). Last evaluated 2023-12-01.

Conditions:
Citrullinemia, type II, adult-onset (CDAA). Also called: CITRIN DEFICIENCY, ADOLESCENT OR ADULT ONSET. Identifiers: Orphanet 247585, MedGen CN295299, MONDO:0011326, OMIM 603471.
Citrin deficiency. Identifiers: Orphanet 247582, MedGen C1997910, MONDO:0016602.

Submissions (2):

Labcorp Genetics (formerly Invitae), Labcorp
Classification: Pathogenic for Citrin deficiency. Last evaluated: 2023-12-01. Review status: criteria provided, single submitter. Criteria: Invitae Variant Classification Sherloc (09022015). Collection method: clinical testing. Allele origin: germline.
Comment: This sequence change creates a premature translational stop signal (p.Gln556Trpfs*13) in the SLC25A13 gene. It is expected to result in an absent or disrupted protein product. Loss-of-function variants in SLC25A13 are known to be pathogenic (PMID: 10369257, 14680984, 27405544). This variant is not present in population databases (gnomAD no frequency). This variant has not been reported in the literature in individuals affected with SLC25A13-related conditions. ClinVar contains an entry for this variant (Variation ID: 1459278). For these reasons, this variant has been classified as Pathogenic.

Baylor Genetics
Classification: Likely pathogenic for Citrullinemia, type II, adult-onset. Last evaluated: 2022-09-21. Review status: criteria provided, single submitter. Criteria: ACMG Guidelines, 2015. Collection method: clinical testing. Allele origin: unknown.

Literature cited by the submitters: PubMed 10369257 (cited by Labcorp Genetics (formerly Invitae), Labcorp); PubMed 14680984 (cited by Labcorp Genetics (formerly Invitae), Labcorp); PubMed 27405544 (cited by Labcorp Genetics (formerly Invitae), Labcorp).